The following is an entry in ClinVar:

NM_005585.5(SMAD6):c.79_90dup (p.Gly30_Gly31insSerGlyGlyGly)

Gene: SMAD6 (SMAD family member 6; plus strand). Cytogenetic location: 15q22.31.
Variant type: Duplication.
Coding change: c.79_90dup on transcript NM_005585.5 (MANE Select); coding-DNA positions 79 to 90, 12 bases duplicated (AGCGGCGGCGGC).
Protein change: p.Gly30_Gly31insSerGlyGlyGly.
Molecular consequence: inframe insertion. On other transcripts: non-coding transcript variant (1).
Genome position (GRCh38, 1-based): chr15:66,703,337-66,703,348, AGCGGCGGCGGC duplicated; duplicating any 12 consecutive bases within chr15:66,703,331-66,703,348 gives the same sequence; the c. name uses the placement nearest the transcript's 3' end. VCF-style (leftmost placement, unchanged base first): chr15-66703330-A-AGGCGGCAGCGGC. GRCh37 (hg19) VCF-style: chr15-66995668-A-AGGCGGCAGCGGC.
Identifiers: ClinVar variation 3346823 (VCV003346823.1).

ClinVar aggregate classification (germline): Uncertain significance (0 of 4 stars; one submission).

Conditions:
SMAD6-related disease. Also called: SMAD6-related disorder; SMAD6-related condition. Identifiers: MedGen CN381596, MONDO:0700324.

Submission:

PreventionGenetics, part of Exact Sciences
Classification: Uncertain significance for SMAD6-related condition. Last evaluated: 2024-07-25. Review status: no assertion criteria provided. Collection method: clinical testing. Allele origin: germline.
Comment: The SMAD6 c.79_90dup12 variant is predicted to result in an in-frame duplication (p.Ser27_Gly30dup). To our knowledge, this variant has not been reported in the literature or in a large population database, indicating this variant is rare. At this time, the clinical significance of this variant is uncertain due to the absence of conclusive functional and genetic evidence.